The following is an entry in ClinVar:

NM_080732.4(EGLN2):c.287C>T (p.Ala96Val)

Genes: EGLN2 (egl-9 family hypoxia inducible factor 2; plus strand), RAB4B-EGLN2 (RAB4B-EGLN2 readthrough (NMD candidate); plus strand). Cytogenetic location: 19q13.2.
Variant type: single nucleotide variant.
Coding change: c.287C>T on transcript NM_080732.4 (MANE Select); coding-DNA position 287, C replaced by T.
Protein change: p.Ala96Val; replaces alanine 96 with valine.
Molecular consequence: missense variant. On other transcripts: non-coding transcript variant (1).
Genome position (GRCh38, 1-based): chr19:40,800,859, C>T. VCF-style: chr19-40800859-C-T. GRCh37 (hg19) VCF-style: chr19-41306764-C-T.
Other names: c.287C>T, p.Ala96Val (NM_053046.4); short protein forms A96V.
Identifiers: ClinVar variation 2564157 (VCV002564157.2), dbSNP rs2515993439, ClinGen allele CA405954943.

ClinVar aggregate classification (germline): Uncertain significance (1 of 4 stars; one submission).

Submission:

Ambry Genetics
Classification: Uncertain significance. Last evaluated: 2023-04-22. Review status: criteria provided, single submitter. Criteria: Ambry Variant Classification Scheme 2023. Collection method: clinical testing. Allele origin: germline.
Comment: The p.A96V variant (also known as c.287C>T), located in coding exon 1 of the EGLN2 gene, results from a C to T substitution at nucleotide position 287. The alanine at codon 96 is replaced by valine, an amino acid with similar properties. This amino acid position is conserved. In addition, this alteration is predicted to be tolerated by in silico analysis. Since supporting evidence is limited at this time, the clinical significance of this alteration remains unclear.